The following is an entry in ClinVar:

ClinVar aggregate classification (germline): Likely benign. Review status: criteria provided, single submitter (1 of 4 stars). 2 submissions from 2 submitters: Likely benign (1). 1 of the submissions does not count toward it. Last evaluated 2019-12-10.

Conditions:
CC2D2A-related disorder. Also called: CC2D2A-related disorders; CC2D2A-related condition. Identifiers: MedGen CN239313.

Allele frequency attached by ClinVar (database versions not stated): gnomAD 0.00037 and 0.00057; gnomAD exomes 0.00039 and 0.00125; TOPMed 0.00055; ESP Exome Variant Server 0.00009; ExAC 0.00125; 1000 Genomes Project 30x 0.00265; 1000 Genomes Project 0.00300.
gnomAD v4.1: 696 of 1,501,162 alleles (0.046%); highest among the groups gnomAD compares: East Asian, 0.92%; 6 homozygotes.

Submissions (2):

GeneDx
Classification: Likely benign. Last evaluated: 2019-12-10. Review status: criteria provided, single submitter. Criteria: GeneDx Variant Classification Process June 2021. Collection method: clinical testing. Allele origin: germline. Affected: yes.

PreventionGenetics, part of Exact Sciences
Classification: Benign for CC2D2A-related condition. Last evaluated: 2019-05-28. Review status: no assertion criteria provided. Collection method: clinical testing. Allele origin: germline. Not counted in ClinVar's aggregate classification.
Comment: This variant is classified as benign based on ACMG/AMP sequence variant interpretation guidelines (Richards et al. 2015 PMID: 25741868, with internal and published modifications).

NM_001378615.1(CC2D2A):c.4438-31T>C

Genes: CC2D2A (coiled-coil and C2 domain containing 2A; plus strand), FBXL5 (F-box and leucine rich repeat protein 5; minus strand). Cytogenetic location: 4p15.32.
Variant type: single nucleotide variant.
Coding change: c.4438-31T>C on transcript NM_001378615.1 (MANE Select); 31 bases into the intron before coding-DNA position 4438, T replaced by C.
Molecular consequence: intron variant.
Genome position (GRCh38, 1-based): chr4:15,597,376, T>C. VCF-style: chr4-15597376-T-C. GRCh37 (hg19) VCF-style: chr4-15598999-T-C.
Other names: c.4438-31T>C (NM_001080522.2); c.4291-31T>C (NM_001378617.1).
Identifiers: ClinVar variation 1193803 (VCV001193803.4), dbSNP rs147005127, ClinGen allele CA2864384.